The following is an entry in ClinVar:

ClinVar aggregate classification (germline): Likely benign. Review status: criteria provided, multiple submitters, no conflicts (2 of 4 stars). 3 submissions from 3 submitters: Likely benign (2). 1 of the submissions does not count toward it. Last evaluated 2025-12-21.

Conditions:
CDH23-related disorder. Also called: CDH23-related condition; CDH23-related disorders.

Allele frequency attached by ClinVar (database versions not stated): ExAC 0.00002; gnomAD exomes 0.00002; TOPMed 0.00002; gnomAD 0.00003; ESP Exome Variant Server 0.00016.
gnomAD v4.1: 33 of 1,612,852 alleles (0.002%); highest among the groups gnomAD compares: Middle Eastern, 0.033%; no homozygotes.

Submissions (3):

Labcorp Genetics (formerly Invitae), Labcorp
Classification: Likely benign. Last evaluated: 2025-12-21. Review status: criteria provided, single submitter. Criteria: Invitae Variant Classification Sherloc (09022015). Collection method: clinical testing. Allele origin: germline.

Laboratory for Molecular Medicine, Mass General Brigham Personalized Medicine
Classification: Likely benign. Last evaluated: 2010-02-03. Review status: criteria provided, single submitter. Criteria: LMM Criteria. Collection method: clinical testing. Allele origin: germline. Observed: 2 variant alleles.
Comment: Pro930Pro in Exon 25 of CDH23: This variant is not expected to have clinical sig nificance because it does not alter an amino acid residue, is not located within the splice consensus sequence, has been identified in 0.01% (1/8436) of Europea n American chromosomes and 0.02% (1/4212) of African American chromosomes by the NHLBI Exome sequencing project (dbSNP rs1110 33528).

PreventionGenetics, part of Exact Sciences
Classification: Likely benign for CDH23-related condition. Last evaluated: 2021-03-03. Review status: no assertion criteria provided. Collection method: clinical testing. Allele origin: germline. Not counted in ClinVar's aggregate classification.
Comment: This variant is classified as likely benign based on ACMG/AMP sequence variant interpretation guidelines (Richards et al. 2015 PMID: 25741868, with internal and published modifications).

NM_022124.6(CDH23):c.2790G>A (p.Pro930=)

Gene: CDH23 (cadherin related 23; plus strand). Cytogenetic location: 10q22.1.
Variant type: single nucleotide variant.
Coding change: c.2790G>A on transcript NM_022124.6 (MANE Select); coding-DNA position 2790, G replaced by A.
Protein change: p.Pro930=; no amino-acid change (proline 930 retained).
Molecular consequence: synonymous variant.
Genome position (GRCh38, 1-based): chr10:71,704,967, G>A. VCF-style: chr10-71704967-G-A. GRCh37 (hg19) VCF-style: chr10-73464724-G-A.
Other names: c.2790G>A, p.Pro930= (NM_001171930.2, NM_001171931.2).
Identifiers: ClinVar variation 45901 (VCV000045901.10), dbSNP rs111033528, ClinGen allele CA137336.